The following is an entry in ClinVar:

ClinVar aggregate classification (germline): Uncertain significance (1 of 4 stars; one submission).

Conditions:
Dystonia 12 (DYT12). Also called: Rapid-Onset Dystonia-Parkinsonism (RDP); DYT-ATP1A3. Identifiers: Orphanet 71517, MedGen C1868681, MONDO:0007496, OMIM 128235.

Allele frequency attached by ClinVar (database versions not stated): gnomAD exomes below 0.00001.
gnomAD v4.1: 2 of 1,613,922 alleles (0.00012%); highest among the groups gnomAD compares: Non-Finnish European, 0.00017%; no homozygotes.

Submission:

Labcorp Genetics (formerly Invitae), Labcorp
Classification: Uncertain significance for Dystonia 12. Last evaluated: 2022-06-27. Review status: criteria provided, single submitter. Criteria: Invitae Variant Classification Sherloc (09022015). Collection method: clinical testing. Allele origin: germline.
Comment: Advanced modeling of protein sequence and biophysical properties (such as structural, functional, and spatial information, amino acid conservation, physicochemical variation, residue mobility, and thermodynamic stability) performed at Invitae indicates that this missense variant is expected to disrupt ATP1A3 protein function. In summary, the available evidence is currently insufficient to determine the role of this variant in disease. Therefore, it has been classified as a Variant of Uncertain Significance. This variant has not been reported in the literature in individuals affected with ATP1A3-related conditions. This variant is not present in population databases (gnomAD no frequency). This sequence change replaces arginine, which is basic and polar, with histidine, which is basic and polar, at codon 969 of the ATP1A3 protein (p.Arg969His).

NM_152296.5(ATP1A3):c.2906G>A (p.Arg969His)

Gene: ATP1A3 (ATPase Na+/K+ transporting subunit alpha 3; minus strand). Cytogenetic location: 19q13.2.
Variant type: single nucleotide variant.
Coding change: c.2906G>A on transcript NM_152296.5 (MANE Select); coding-DNA position 2906, G replaced by A.
Protein change: p.Arg969His; replaces arginine 969 with histidine.
Molecular consequence: missense variant.
Genome position (GRCh38, 1-based): chr19:41,967,677, C>T on the plus strand (G>A on the coding strand, the complement: ATP1A3 is on the minus strand). VCF-style: chr19-41967677-C-T. GRCh37 (hg19) VCF-style: chr19-42471829-C-T.
Other names: c.2939G>A, p.Arg980His (NM_001256213.2); c.2945G>A, p.Arg982His (NM_001256214.2); short protein forms R969H, R980H, R982H.
Identifiers: ClinVar variation 1400126 (VCV001400126.8), dbSNP rs1555858925, ClinGen allele CA406035391.